The following is an entry in ClinVar:

ClinVar aggregate classification (germline): Uncertain significance (1 of 4 stars; one submission).

Allele frequency attached by ClinVar (database versions not stated): TOPMed 0.00001; ExAC 0.00002; ESP Exome Variant Server 0.00008.
gnomAD v4.1: 28 of 1,608,738 alleles (0.0017%); highest among the groups gnomAD compares: East Asian, 0.0089%; no homozygotes.

Submission:

Laboratorio de Genetica e Diagnostico Molecular, Hospital Israelita Albert Einstein
Classification: Uncertain significance. Last evaluated: 2020-12-18. Review status: criteria provided, single submitter. Criteria: ACMG Guidelines, 2015. Collection method: clinical testing. Allele origin: germline. Affected: yes.
Comment: ACMG classification criteria: PM2, BP4

NM_001348768.2(HECW2):c.3000+8G>A

Gene: HECW2 (HECT, C2 and WW domain containing E3 ubiquitin protein ligase 2; minus strand). Cytogenetic location: 2q32.3.
Variant type: single nucleotide variant.
Coding change: c.3000+8G>A on transcript NM_001348768.2 (MANE Select); 8 bases into the intron after coding-DNA position 3000, G replaced by A.
Molecular consequence: intron variant.
Genome position (GRCh38, 1-based): chr2:196,292,557, C>T on the plus strand (G>A on the coding strand, the complement: HECW2 is on the minus strand). VCF-style: chr2-196292557-C-T. GRCh37 (hg19) VCF-style: chr2-197157281-C-T.
Other names: c.3000+8G>A (NM_020760.4); c.1932+8G>A (NM_001304840.3).
Identifiers: ClinVar variation 1690999 (VCV001690999.2), dbSNP rs373861027, ClinGen allele CA2037905.
Genomic context (GRCh38, chr2:196,292,557, plus strand): 5'-GCCAAGTGTCGAAGCCACAAGCAGCCCACAGGCATTTGGCACTCCCTGAGGCATCTCCCT[C>T]GTGTTACCTTGCCCTGGTGATCATGTTTCATTTCCCATCCCCGCGGCAGCTCTAGCTGTT-3'